The following is an entry in ClinVar:

NM_000264.5(PTCH1):c.2270T>C (p.Phe757Ser)

Genes: PTCH1 (patched 1; minus strand), LOC100507346 (uncharacterized LOC100507346; plus strand). Cytogenetic location: 9q22.32.
Variant type: single nucleotide variant.
Coding change: c.2270T>C on transcript NM_000264.5 (MANE Select); coding-DNA position 2270, T replaced by C.
Protein change: p.Phe757Ser; replaces phenylalanine 757 with serine.
Molecular consequence: missense variant. On other transcripts: non-coding transcript variant (1).
Genome position (GRCh38, 1-based): chr9:95,467,406, A>G on the plus strand (T>C on the coding strand, the complement: PTCH1 is on the minus strand). VCF-style: chr9-95467406-A-G. GRCh37 (hg19) VCF-style: chr9-98229688-A-G.
Other names: c.2072T>C, p.Phe691Ser (NM_001083602.3); c.2267T>C, p.Phe756Ser (NM_001083603.3); c.1817T>C, p.Phe606Ser (NM_001083604.3, NM_001083605.3, NM_001083606.3 and 1 more transcripts); c.2114T>C, p.Phe705Ser (NM_001354918.2); short protein forms F691S, F757S, F756S, F705S, F606S.
Identifiers: ClinVar variation 237468 (VCV000237468.47), dbSNP rs547954117, ClinGen allele CA5138419.
Genomic context (GRCh38, chr9:95,467,406, plus strand): 5'-AGGTCCAGCCCGTCTCTCACTCGGGTGGTGCCATAAAGGCTGACCCCCAGCAAGCCCAGA[A>G]AAAGGAAGATCACCACTACCTGGAACAGAAGAGGCACAAGGTCAGACCCCAGGGAGCACC-3'
Protein context (NP_000255.2, residues 747-767): PKAKVVVIFL[Phe757Ser]LGLLGVSLYG

ClinVar aggregate classification (germline): Benign/Likely benign. Review status: criteria provided, multiple submitters, no conflicts (2 of 4 stars). 8 submissions from 7 submitters: Benign (3); Likely benign (4). 1 of the submissions does not count toward it. Last evaluated 2026-04-01.

Conditions:
Hereditary cancer-predisposing syndrome. Also called: Tumor predisposition; Hereditary Cancer Syndrome; Neoplastic Syndromes, Hereditary; Hereditary neoplastic syndrome. Identifiers: Orphanet 140162, MedGen C0027672, MeSH D009386, MONDO:0015356.
Holoprosencephaly 7 (HPE7). Identifiers: Orphanet 2162, MedGen C1835820, MONDO:0012562, OMIM 610828.
PTCH1-related disorder. Also called: PTCH1-related disorders; PTCH1-related condition.
Basal cell nevus syndrome 1 (BCNS1). Also called: GORLIN-GOLTZ SYNDROME; MULTIPLE BASAL CELL NEVI, ODONTOGENIC KERATOCYSTS, AND SKELETAL ANOMALIES. Identifiers: MedGen CN376810, MONDO:0958174, OMIM 109400.
Basal cell carcinoma, susceptibility to, 1. Also called: BCC1. Identifiers: MedGen C2751544, MONDO:0011556, OMIM 605462.
Gorlin syndrome. Also called: Nevoid Basal Cell Carcinoma Syndrome; Basal cell nevus syndrome. Identifiers: Orphanet 377, MedGen C0004779, MONDO:0007187.

Allele frequency attached by ClinVar (database versions not stated): gnomAD 0.00001 and 0.00010; TOPMed 0.00002; gnomAD exomes 0.00035; ExAC 0.00044; 1000 Genomes Project 30x 0.00094; 1000 Genomes Project 0.00120.

Submissions (8):

CeGaT Center for Human Genetics Tuebingen
Classification: Likely benign. Last evaluated: 2026-04-01. Review status: criteria provided, single submitter. Criteria: CeGaT Center For Human Genetics Tuebingen Variant Classification Criteria Version 2. Collection method: clinical testing. Allele origin: germline. Affected: yes. Observed: 5 variant alleles.
Comment: PTCH1: PP3, BS1

Labcorp Genetics (formerly Invitae), Labcorp
Classification: Likely benign for Gorlin syndrome. Last evaluated: 2025-12-22. Review status: criteria provided, single submitter. Criteria: Invitae Variant Classification Sherloc (09022015). Collection method: clinical testing. Allele origin: germline.

Department of Pathology and Laboratory Medicine, Sinai Health System
Classification: Likely benign for Basal cell nevus syndrome 1; Basal cell carcinoma, susceptibility to, 1; Holoprosencephaly 7. Last evaluated: 2021-07-30. Review status: criteria provided, single submitter. Criteria: ACMG Guidelines, 2015. Collection method: research. Allele origin: germline.

Ambry Genetics
Classification: Benign for Hereditary cancer-predisposing syndrome. Last evaluated: 2020-12-28. Review status: criteria provided, single submitter. Criteria: Ambry Variant Classification Scheme 2023. Collection method: clinical testing. Allele origin: germline.

St. Jude Molecular Pathology, St. Jude Children's Research Hospital
Classification: Likely benign for Gorlin syndrome. Last evaluated: 2020-08-19. Review status: criteria provided, single submitter. Criteria: St. Jude Assertion Criteria 2020. Collection method: clinical testing. Allele origin: germline.
Comment: The c.2270T>C (p.Phe757Ser) missense variant has a frequency of 0.0003504 (88 of 251,124 alleles) in gnomAD v2.1.1 with a maximum allele frequency of 0.002744 (84 of 30,614) in the South Asian population. This exceeds the expected incidence of a pathogenic variant causing Gorlin syndrome, in which the prevalence is estimated to be 1 in 31,000 people (0.003%) (BS1). Six of seven in silico tools predict a deleterious effect of this variant on protein function (PP3), however this has not been confirmed in functional assays. To our knowledge, this variant has not been reported in individuals with Gorlin syndrome (internal data and literature review). In summary, this variant meets criteria to be classified as likely benign as the population frequency is not consistent with disease. ACMG/AMP criteria met: BS1, PP3.

Illumina Laboratory Services, Illumina
Classification: Benign for Basal cell nevus syndrome 1. Last evaluated: 2018-01-12. Review status: criteria provided, single submitter. Criteria: ICSL Variant Classification Criteria 13 December 2019. Collection method: clinical testing. Allele origin: germline.
Comment: This variant was observed in the ICSL laboratory as part of a predisposition screen in an ostensibly healthy population. It had not been previously curated by ICSL or reported in the Human Gene Mutation Database (HGMD: prior to June 1st, 2018), and was therefore a candidate for classification through an automated scoring system. Utilizing variant allele frequency, disease prevalence and penetrance estimates, and inheritance mode, an automated score was calculated to assess if this variant is too frequent to cause the disease. Based on the score and internal cut-off values, a variant classified as benign is not then subjected to further curation. The score for this variant resulted in a classification of benign for this disease.

Illumina Laboratory Services, Illumina
Classification: Benign for Holoprosencephaly 7. Last evaluated: 2018-01-12. Review status: criteria provided, single submitter. Criteria: ICSL Variant Classification Criteria 13 December 2019. Collection method: clinical testing. Allele origin: germline.
Comment: the same text as in the submission from Illumina Laboratory Services, Illumina above.

PreventionGenetics, part of Exact Sciences
Classification: Likely benign for PTCH1-related condition. Last evaluated: 2019-04-18. Review status: no assertion criteria provided. Collection method: clinical testing. Allele origin: germline. Not counted in ClinVar's aggregate classification.
Comment: This variant is classified as likely benign based on ACMG/AMP sequence variant interpretation guidelines (Richards et al. 2015 PMID: 25741868, with internal and published modifications).